The following is an entry in ClinVar:

NM_001080517.3(SETD5):c.2638G>T (p.Glu880Ter)

Gene: SETD5 (SET domain containing 5; plus strand). Cytogenetic location: 3p25.3.
Variant type: single nucleotide variant.
Coding change: c.2638G>T on transcript NM_001080517.3 (MANE Select); coding-DNA position 2638, G replaced by T.
Protein change: p.Glu880Ter; replaces glutamic acid 880 with a stop codon.
Molecular consequence: nonsense.
Genome position (GRCh38, 1-based): chr3:9,464,586, G>T. VCF-style: chr3-9464586-G-T. GRCh37 (hg19) VCF-style: chr3-9506270-G-T.
Other names: c.2344G>T, p.Glu782Ter (NM_001292043.2, NM_001349451.2); short protein forms E782*, E880*.
Identifiers: ClinVar variation 1800584 (VCV001800584.2), dbSNP rs2473600973, ClinGen allele CA351708029.

ClinVar aggregate classification (germline): Pathogenic (1 of 4 stars; one submission).

Submission:

GeneDx
Classification: Pathogenic. Last evaluated: 2024-03-06. Review status: criteria provided, single submitter. Criteria: GeneDx Variant Classification Process June 2021. Collection method: clinical testing. Allele origin: germline.
Comment: Nonsense variant predicted to result in protein truncation or nonsense mediated decay in a gene for which loss of function is a known mechanism of disease; Not observed at significant frequency in large population cohorts (gnomAD); This variant is associated with the following publications: (PMID: 35132768)